The following is an entry in ClinVar:

NM_001123385.2(BCOR):c.4145_4152del (p.Glu1382fs)

Gene: BCOR (BCL6 corepressor; minus strand). Cytogenetic location: Xp11.4.
Variant type: Deletion.
Coding change: c.4145_4152del on transcript NM_001123385.2 (MANE Select); coding-DNA positions 4145 to 4152, 8 bases deleted (AATACTAC; older notation c.4145_4152delAATACTAC).
Protein change: p.Glu1382fs; shifts the reading frame from glutamic acid 1382.
Molecular consequence: frameshift variant.
Genome position (GRCh38, 1-based): chrX:40,062,767-40,062,774, GTAGTATT deleted on the plus strand (AATACTAC on the coding strand, the reverse complement: BCOR is on the minus strand). VCF-style (leftmost placement, unchanged base first): chrX-40062766-CGTAGTATT-C. GRCh37 (hg19) VCF-style: chrX-39922019-CGTAGTATT-C.
Other names: Glu1382GlyfsTer24; c.4043_4050del, p.Glu1348fs (NM_001123383.2, NM_001438208.1, NM_017745.6); c.3989_3996del, p.Glu1330fs (NM_001123384.2); c.4145_4152del, p.Glu1382fs (NM_001437510.1, NM_001437511.1); c.4091_4098del, p.Glu1364fs (NM_001438207.1); short protein forms E1330fs, E1348fs, E1364fs, E1382fs.
Identifiers: ClinVar variation 4073617 (VCV004073617.1).
Genomic context (GRCh38, chrX:40,062,766, plus strand): 5'-TTCGCACAGGCCCCAGAGGGAAGCCGGGGTCAAGAGGTACCTTGCCATCGGCATTCTCCA[CGTAGTATT>C]CCCCTGTCAGTGGCAATCCCCGCCTGGACTCCTGAGGGATCAAGTGTTTGGTTTTGCACA-3'

ClinVar aggregate classification (germline): Pathogenic (1 of 4 stars; one submission).

Conditions:
Oculofaciocardiodental syndrome (MCOPS2). Identifiers: Orphanet 2712, MedGen C1846265, MONDO:0010261, OMIM 300166.

Submission:

Molecular Genetics and NGS Laboratory, Hospital Fundacion Valle Del Lili
Classification: Pathogenic for Oculofaciocardiodental syndrome. Review status: criteria provided, single submitter. Criteria: ACMG Guidelines, 2015. Collection method: clinical testing. Allele origin: unknown. Inheritance: X-linked dominant inheritance. Affected: yes. Observed: 1 heterozygote.
Comment: This variant is associated with oculofaciocardiodental syndrome, compatible with the patient’s phenotype. Segregation analysis in the parents is pending, but the variant is most likely de novo. - PVS1: Null variant (frame-shift) in gene BCOR, predicted to cause NMD. Loss-of-function is a known mechanism of disease (gene has 158 reported pathogenic LOF variants). The exon contains 15 pathogenic variants. The truncated region contains 42 pathogenic variants. - PM2: Variant not found in gnomAD genomes, good gnomAD genomes coverage = 23.4. Variant not found in gnomAD exomes, good gnomAD exomes coverage = 40.4. - PM6: Assumed de novo, but without confirmation of paternity and maternity.